The following is an entry in ClinVar:

ClinVar aggregate classification (germline): Uncertain significance. Review status: criteria provided, multiple submitters, no conflicts (2 of 4 stars). 5 submissions from 5 submitters: Uncertain significance (5). Last evaluated 2026-01-06.

Conditions:
Hyperkalemic periodic paralysis. Also called: Gamstorp disease; Familial hyperkalemic periodic paralysis. Identifiers: Orphanet 682, MedGen C0238357, MONDO:0008224, OMIM 170500, HP:0007215.
SCN4A-related disorder. Also called: SCN4A-related disorders.

Allele frequency attached by ClinVar (database versions not stated): TOPMed below 0.00001; gnomAD 0.00001; gnomAD exomes 0.00001 and 0.00002; ExAC 0.00004.
gnomAD v4.1: 18 of 1,558,182 alleles (0.0012%); highest among the groups gnomAD compares: Non-Finnish European, 0.0014%; no homozygotes.

Submissions (5):

GeneDx
Classification: Uncertain significance. Last evaluated: 2026-01-06. Review status: criteria provided, single submitter. Criteria: GeneDx Variant Classification Process June 2021. Collection method: clinical testing. Allele origin: germline.
Comment: Identified in an individual with Brugada syndrome, however additional clinical details were not provided (PMID: 26220970); In silico analysis supports that this missense variant has a deleterious effect on protein structure/function; This variant is associated with the following publications: (PMID: 26220970)

PreventionGenetics, part of Exact Sciences
Classification: Uncertain significance for SCN4A-related condition. Last evaluated: 2025-07-16. Review status: criteria provided, single submitter. Criteria: ACMG Guidelines, 2015. Collection method: clinical testing. Allele origin: germline.
Comment: The SCN4A c.2420C>T variant is predicted to result in the amino acid substitution p.Ala807Val. This variant was reported in an individual with Brugada syndrome; however, additional support for pathogenicity was not provided (Supp. Table 2. Di Resta et al. 2015. PubMed ID: 26220970). This variant is reported in 0.0042% of alleles in individuals of European (non-Finnish) descent in gnomAD. At this time, the clinical significance of this variant is uncertain due to the absence of conclusive functional and genetic evidence.

Revvity Omics, Revvity
Classification: Uncertain significance. Last evaluated: 2024-12-10. Review status: criteria provided, single submitter. Criteria: ACMG Guidelines, 2015. Collection method: clinical testing. Allele origin: germline.

Blueprint Genetics
Classification: Uncertain significance. Last evaluated: 2024-03-27. Review status: criteria provided, single submitter. Criteria: ACMG Guidelines, 2015. Collection method: clinical testing. Allele origin: germline.

Labcorp Genetics (formerly Invitae), Labcorp
Classification: Uncertain significance for Hyperkalemic periodic paralysis. Last evaluated: 2024-01-25. Review status: criteria provided, single submitter. Criteria: Invitae Variant Classification Sherloc (09022015). Collection method: clinical testing. Allele origin: germline.
Comment: This sequence change replaces alanine, which is neutral and non-polar, with valine, which is neutral and non-polar, at codon 807 of the SCN4A protein (p.Ala807Val). The frequency data for this variant in the population databases is considered unreliable, as metrics indicate poor data quality at this position in the gnomAD database. This variant has not been reported in the literature in individuals affected with SCN4A-related conditions. ClinVar contains an entry for this variant (Variation ID: 1057510). Advanced modeling of protein sequence and biophysical properties (such as structural, functional, and spatial information, amino acid conservation, physicochemical variation, residue mobility, and thermodynamic stability) has been performed at Invitae for this missense variant, however the output from this modeling did not meet the statistical confidence thresholds required to predict the impact of this variant on SCN4A protein function. In summary, the available evidence is currently insufficient to determine the role of this variant in disease. Therefore, it has been classified as a Variant of Uncertain Significance.

NM_000334.4(SCN4A):c.2420C>T (p.Ala807Val)

Genes: GH-LCR (growth hormone locus control region; plus strand), SCN4A (sodium voltage-gated channel alpha subunit 4; minus strand). Cytogenetic location: 17q23.3.
Variant type: single nucleotide variant.
Coding change: c.2420C>T on transcript NM_000334.4 (MANE Select); coding-DNA position 2420, C replaced by T.
Protein change: p.Ala807Val; replaces alanine 807 with valine.
Molecular consequence: missense variant.
Genome position (GRCh38, 1-based): chr17:63,951,857, G>A on the plus strand (C>T on the coding strand, the complement: SCN4A is on the minus strand). VCF-style: chr17-63951857-G-A. GRCh37 (hg19) VCF-style: chr17-62029217-G-A.
Other names: short protein forms A807V.
Identifiers: ClinVar variation 1057510 (VCV001057510.16), dbSNP rs749013806, ClinGen allele CA8709585.